The following is an entry in ClinVar:

ClinVar aggregate classification (germline): Likely benign. Review status: criteria provided, multiple submitters, no conflicts (2 of 4 stars). 2 submissions from 2 submitters: Likely benign (2). Last evaluated 2025-12-15.

gnomAD v4.1: 18 of 1,612,416 alleles (0.0011%); highest among the groups gnomAD compares: Non-Finnish European, 0.0015%; no homozygotes.

Submissions (2):

Labcorp Genetics (formerly Invitae), Labcorp
Classification: Likely benign. Last evaluated: 2025-12-15. Review status: criteria provided, single submitter. Criteria: Invitae Variant Classification Sherloc (09022015). Collection method: clinical testing. Allele origin: germline.

Mayo Clinic Laboratories, Mayo Clinic
Classification: Likely benign. Last evaluated: 2025-12-03. Review status: criteria provided, single submitter. Criteria: ACMG Guidelines, 2015. Collection method: clinical testing. Allele origin: germline. Observed: 1 variant allele.
Comment: BP4, BP7

NM_005612.5(REST):c.1758T>C (p.Asn586=)

Gene: REST (RE1 silencing transcription factor; plus strand). Cytogenetic location: 4q12.
Variant type: single nucleotide variant.
Coding change: c.1758T>C on transcript NM_005612.5 (MANE Select); coding-DNA position 1758, T replaced by C.
Protein change: p.Asn586=; no amino-acid change (asparagine 586 retained).
Molecular consequence: synonymous variant.
Genome position (GRCh38, 1-based): chr4:56,930,616, T>C. VCF-style: chr4-56930616-T-C. GRCh37 (hg19) VCF-style: chr4-57796782-T-C.
Other names: p.Asn586=; c.1758T>C, p.Asn586= (NM_001193508.2, NM_001363453.3).
Identifiers: ClinVar variation 1559694 (VCV001559694.9), dbSNP rs546657732, ClinGen allele CA97636559.